The following is an entry in ClinVar:

NM_001267550.2(TTN):c.103243G>C (p.Gly34415Arg)

Genes: TTN (titin; minus strand), TTN-AS1 (TTN antisense RNA 1; plus strand). Cytogenetic location: 2q31.2.
Variant type: single nucleotide variant.
Coding change: c.103243G>C on transcript NM_001267550.2 (MANE Select); coding-DNA position 103243, G replaced by C.
Protein change: p.Gly34415Arg; replaces glycine 34415 with arginine.
Molecular consequence: missense variant.
Genome position (GRCh38, 1-based): chr2:178,533,372, C>G on the plus strand (G>C on the coding strand, the complement: TTN is on the minus strand). VCF-style: chr2-178533372-C-G. GRCh37 (hg19) VCF-style: chr2-179398099-C-G.
Other names: c.98320G>C, p.Gly32774Arg (NM_001256850.1); c.76048G>C, p.Gly25350Arg (NM_003319.4); c.95539G>C, p.Gly31847Arg (NM_133378.4); c.76423G>C, p.Gly25475Arg (NM_133432.3); c.76624G>C, p.Gly25542Arg (NM_133437.4); c.103243G>C (NM_001267550.1); short protein forms G25350R, G25542R, G32774R, G25475R, G31847R, G34415R.
Identifiers: ClinVar variation 842702 (VCV000842702.9), dbSNP rs1170678153, ClinGen allele CA349414698.

ClinVar aggregate classification (germline): Uncertain significance. Review status: criteria provided, multiple submitters, no conflicts (2 of 4 stars). 2 submissions from 2 submitters: Uncertain significance (2). Last evaluated 2025-09-04.

Conditions:
Autosomal recessive limb-girdle muscular dystrophy type 2J (LGMDR10). Also called: Limb-girdle muscular dystrophy, type 2J; MUSCULAR DYSTROPHY, LIMB-GIRDLE, AUTOSOMAL RECESSIVE 10. Identifiers: Orphanet 140922, MedGen C1837342, MONDO:0012127, OMIM 608807.
Dilated cardiomyopathy 1G (CMD1G). Identifiers: Orphanet 154, MedGen C1858763, MONDO:0011400, OMIM 604145.

Allele frequency attached by ClinVar (database versions not stated): TOPMed below 0.00001; gnomAD exomes below 0.00001.
gnomAD v4.1: 1 of 1,613,590 alleles (0.000062%); highest among the groups gnomAD compares: Non-Finnish European, 0.000085%; no homozygotes.

Submissions (2):

Labcorp Genetics (formerly Invitae), Labcorp
Classification: Uncertain significance for Dilated cardiomyopathy 1G; Autosomal recessive limb-girdle muscular dystrophy type 2J. Last evaluated: 2025-09-04. Review status: criteria provided, single submitter. Criteria: Invitae Variant Classification Sherloc (09022015). Collection method: clinical testing. Allele origin: germline.
Comment: This sequence change replaces glycine, which is neutral and non-polar, with arginine, which is basic and polar, at codon 34415 of the TTN protein (p.Gly34415Arg). This variant is present in population databases (no rsID available, gnomAD 0.0009%). This variant has not been reported in the literature in individuals affected with TTN-related conditions. ClinVar contains an entry for this variant (Variation ID: 842702). Experimental studies and prediction algorithms are not available or were not evaluated, and the functional significance of this variant is currently unknown. This variant is located in the M band of TTN (PMID: 25589632). Non-truncating variants in this region may be relevant for neuromuscular disorders, but have not been definitively shown to cause cardiomyopathy (PMID: 23975875). In summary, the available evidence is currently insufficient to determine the role of this variant in disease. Therefore, it has been classified as a Variant of Uncertain Significance.

GeneDx
Classification: Uncertain significance. Last evaluated: 2025-04-30. Review status: criteria provided, single submitter. Criteria: GeneDx Variant Classification Process June 2021. Collection method: clinical testing. Allele origin: germline. Affected: yes.
Comment: Not observed at significant frequency in large population cohorts (gnomAD); Missense variant in a gene in which most reported pathogenic variants are truncating/loss of function; Has not been previously published as pathogenic or benign to our knowledge

Literature cited by the submitters: PubMed 25589632 (cited by Labcorp Genetics (formerly Invitae), Labcorp); PubMed 23975875 (cited by Labcorp Genetics (formerly Invitae), Labcorp).